The following is an entry in ClinVar:

NM_031471.6(FERMT3):c.1566A>T (p.Glu522Asp)

Gene: FERMT3 (FERM domain containing kindlin 3; plus strand). Cytogenetic location: 11q13.1.
Variant type: single nucleotide variant.
Coding change: c.1566A>T on transcript NM_031471.6 (MANE Select); coding-DNA position 1566, A replaced by T.
Protein change: p.Glu522Asp; replaces glutamic acid 522 with aspartic acid.
Molecular consequence: missense variant.
Genome position (GRCh38, 1-based): chr11:64,221,036, A>T. VCF-style: chr11-64221036-A-T. GRCh37 (hg19) VCF-style: chr11-63988508-A-T.
Other names: c.1566A>T, p.Glu522Asp (NM_001382361.1, NM_001382448.1); c.1578A>T, p.Glu526Asp (NM_001382362.1, NM_178443.3); c.1026A>T, p.Glu342Asp (NM_001382363.1); c.1038A>T, p.Glu346Asp (NM_001382364.1); short protein forms E522D, E342D, E526D, E346D.
Identifiers: ClinVar variation 2088117 (VCV002088117.4), dbSNP rs751972426, ClinGen allele CA381088610.

ClinVar aggregate classification (germline): Uncertain significance (1 of 4 stars; one submission).

Conditions:
Leukocyte adhesion deficiency 3. Also called: INTEGRIN ACTIVATION DEFICIENCY DISEASE; LEUKOCYTE ADHESION DEFICIENCY 1 VARIANT; Leukocyte adhesion deficiency, type III. Identifiers: Orphanet 2968, Orphanet 99844, MedGen C2748536, MONDO:0013016, OMIM 612840.

Submission:

Labcorp Genetics (formerly Invitae), Labcorp
Classification: Uncertain significance for Leukocyte adhesion deficiency 3. Last evaluated: 2022-07-12. Review status: criteria provided, single submitter. Criteria: Invitae Variant Classification Sherloc (09022015). Collection method: clinical testing. Allele origin: germline.
Comment: In summary, the available evidence is currently insufficient to determine the role of this variant in disease. Therefore, it has been classified as a Variant of Uncertain Significance. Algorithms developed to predict the effect of sequence changes on RNA splicing suggest that this variant may create or strengthen a splice site. Algorithms developed to predict the effect of missense changes on protein structure and function are either unavailable or do not agree on the potential impact of this missense change (SIFT: "Tolerated"; PolyPhen-2: "Possibly Damaging"; Align-GVGD: "Class C0"). This variant has not been reported in the literature in individuals affected with FERMT3-related conditions. This variant is not present in population databases (gnomAD no frequency). This sequence change replaces glutamic acid, which is acidic and polar, with aspartic acid, which is acidic and polar, at codon 522 of the FERMT3 protein (p.Glu522Asp).